The following is an entry in ClinVar:

NC_000013.10:g.(?_110959271)_(111279914_?)dup

Genes: COL4A1 (collagen type IV alpha 1 chain; minus strand), COL4A2 (collagen type IV alpha 2 chain; plus strand), NAXD (NAD(P)HX dehydratase; plus strand), RAB20 (RAB20, member RAS oncogene family; minus strand). Cytogenetic location: 13q34.
Variant type: Duplication.
Identifiers: ClinVar variation 2424255 (VCV002424255.2).

ClinVar aggregate classification (germline): Uncertain significance (1 of 4 stars; one submission).

Submission:

Labcorp Genetics (formerly Invitae), Labcorp
Classification: Uncertain significance. Last evaluated: 2022-08-19. Review status: criteria provided, single submitter. Criteria: Invitae Variant Classification Sherloc (09022015). Collection method: clinical testing. Allele origin: germline.
Comment: This variant results in a copy number gain of the genomic region encompassing exon(s) 1 of the COL4A1 gene. This region includes the initiator codon of the gene. This copy number gain extends beyond the assayed region for this gene and therefore may encompass additional genes. As the precise location of this event is unknown, it may be in tandem or it may be located elsewhere in the genome. This variant has not been reported in the literature in individuals affected with COL4A1-related conditions. In summary, the available evidence is currently insufficient to determine the role of this variant in disease. Therefore, it has been classified as a Variant of Uncertain Significance.